The following is an entry in ClinVar:

NM_001035.3(RYR2):c.13049A>G (p.Glu4350Gly)

Genes: RYR2 (ryanodine receptor 2; plus strand), LOC126806068 (BRD4-independent group 4 enhancer GRCh37_chr1:237947411-237948610; plus strand). Cytogenetic location: 1q43.
Variant type: single nucleotide variant.
Coding change: c.13049A>G on transcript NM_001035.3 (MANE Select); coding-DNA position 13049, A replaced by G.
Protein change: p.Glu4350Gly; replaces glutamic acid 4350 with glycine.
Molecular consequence: missense variant.
Genome position (GRCh38, 1-based): chr1:237,784,761, A>G. VCF-style: chr1-237784761-A-G. GRCh37 (hg19) VCF-style: chr1-237948061-A-G.
Other names: c.13049A>G (NM_001035.2); short protein forms E4350G.
Identifiers: ClinVar variation 2774400 (VCV002774400.7), dbSNP rs2527798012, ClinGen allele CA345415116.
Genomic context (GRCh38, chr1:237,784,761, plus strand): 5'-TGTTAGCCAACATGCCAGACCCCACTCAGGATGAGGTTAGAGGAGATGGGGAGGAGGGAG[A>G]GAGGAAACCCCTGGAAGCCGCCCTGCCCTCCGAGGATCTGACCGACTTAAAGGAGCTGAC-3'
Protein context (NP_001026.2, residues 4340-4360): DEVRGDGEEG[Glu4350Gly]RKPLEAALPS

ClinVar aggregate classification (germline): Uncertain significance. Review status: criteria provided, multiple submitters, no conflicts (2 of 4 stars). 4 submissions from 4 submitters: Uncertain significance (4). Last evaluated 2024-03-06.

Conditions:
Catecholaminergic polymorphic ventricular tachycardia (CVPT). Also called: Catecholamine-induced polymorphic ventricular tachycardia. Identifiers: Orphanet 3286, MedGen C5574922, MONDO:0017990.
Catecholaminergic polymorphic ventricular tachycardia 1. Also called: VENTRICULAR TACHYCARDIA, STRESS-INDUCED POLYMORPHIC 1; VENTRICULAR TACHYCARDIA, CATECHOLAMINERGIC POLYMORPHIC, 1, WITH OR WITHOUT ATRIAL DYSFUNCTION AND/OR DILATED CARDIOMYOPATHY; RYR2-Related Catecholaminergic Polymorphic Ventricular Tachycardia. Identifiers: Orphanet 3286, MedGen C1631597, MONDO:0011484, OMIM 604772.
Cardiovascular phenotype. Identifiers: MedGen CN230736.
Cardiomyopathy (CMYO). Also called: Cardiomyopathies. Identifiers: Orphanet 167848, MedGen C0878544, MONDO:0004994, HP:0001638. Inheritance: Various modes of inheritance.

Submissions (4):

Color Diagnostics, LLC DBA Color Health
Classification: Uncertain significance for Cardiomyopathy. Last evaluated: 2024-03-06. Review status: criteria provided, single submitter. Criteria: ACMG Guidelines, 2015. Collection method: clinical testing. Allele origin: germline.
Comment: This missense variant replaces glutamic acid with glycine at codon 4350 of the RYR2 protein. Computational prediction suggests that this variant may not impact protein structure and function (internally defined REVEL score threshold <= 0.5, PMID: 27666373). To our knowledge, functional studies have not been reported for this variant. This variant has not been reported in individuals affected with cardiovascular disorders in the literature. This variant has not been identified in the general population by the Genome Aggregation Database (gnomAD). The available evidence is insufficient to determine the role of this variant in disease conclusively. Therefore, this variant is classified as a Variant of Uncertain Significance.

Ambry Genetics
Classification: Uncertain significance for Cardiovascular phenotype. Last evaluated: 2023-11-13. Review status: criteria provided, single submitter. Criteria: Ambry Variant Classification Scheme 2023. Collection method: clinical testing. Allele origin: germline.
Comment: The p.E4350G variant (also known as c.13049A>G), located in coding exon 90 of the RYR2 gene, results from an A to G substitution at nucleotide position 13049. The glutamic acid at codon 4350 is replaced by glycine, an amino acid with similar properties. This amino acid position is not well conserved in available vertebrate species. In addition, the in silico prediction for this alteration is inconclusive. Since supporting evidence is limited at this time, the clinical significance of this alteration remains unclear.

All of Us Research Program, National Institutes of Health
Classification: Uncertain significance for Catecholaminergic polymorphic ventricular tachycardia. Last evaluated: 2023-07-19. Review status: criteria provided, single submitter. Criteria: ACMG Guidelines, 2015. Collection method: clinical testing. Allele origin: germline. Inheritance: Autosomal dominant inheritance. Observed: 1 variant allele, 1 heterozygote.
Comment: This missense variant replaces glutamic acid with glycine at codon 4350 of the RYR2 protein. Computational prediction suggests that this variant may not impact protein structure and function (internally defined REVEL score threshold <= 0.5, PMID: 27666373). To our knowledge, functional studies have not been reported for this variant. This variant has not been reported in individuals affected with cardiovascular disorders in the literature. This variant has not been identified in the general population by the Genome Aggregation Database (gnomAD). The available evidence is insufficient to determine the role of this variant in disease conclusively. Therefore, this variant is classified as a Variant of Uncertain Significance.

This study involves interpretation of variants in research participants for the purpose of population health screening. Participant phenotype was not available at the time of variant classification. Additional details can be found in publication PMID: 35346344, PMCID: PMC8962531

Labcorp Genetics (formerly Invitae), Labcorp
Classification: Uncertain significance for Catecholaminergic polymorphic ventricular tachycardia 1. Last evaluated: 2022-11-01. Review status: criteria provided, single submitter. Criteria: Invitae Variant Classification Sherloc (09022015). Collection method: clinical testing. Allele origin: germline.
Comment: In summary, the available evidence is currently insufficient to determine the role of this variant in disease. Therefore, it has been classified as a Variant of Uncertain Significance. Advanced modeling of protein sequence and biophysical properties (such as structural, functional, and spatial information, amino acid conservation, physicochemical variation, residue mobility, and thermodynamic stability) performed at Invitae indicates that this missense variant is not expected to disrupt RYR2 protein function. This variant has not been reported in the literature in individuals affected with RYR2-related conditions. This variant is not present in population databases (gnomAD no frequency). This sequence change replaces glutamic acid, which is acidic and polar, with glycine, which is neutral and non-polar, at codon 4350 of the RYR2 protein (p.Glu4350Gly).